The following is an entry in ClinVar:

NM_015046.7(SETX):c.3881G>T (p.Arg1294Leu)

Gene: SETX (senataxin; minus strand). Cytogenetic location: 9q34.13.
Variant type: single nucleotide variant.
Coding change: c.3881G>T on transcript NM_015046.7 (MANE Select); coding-DNA position 3881, G replaced by T.
Protein change: p.Arg1294Leu; replaces arginine 1294 with leucine.
Molecular consequence: missense variant.
Genome position (GRCh38, 1-based): chr9:132,327,717, C>A on the plus strand (G>T on the coding strand, the complement: SETX is on the minus strand). VCF-style: chr9-132327717-C-A. GRCh37 (hg19) VCF-style: chr9-135203104-C-A.
Other names: c.3881G>T, p.Arg1294Leu (NM_001351527.2, NM_001351528.2); short protein forms R1294L.
Identifiers: ClinVar variation 4791772 (VCV004791772.1).

ClinVar aggregate classification (germline): Uncertain significance (1 of 4 stars; one submission).

Conditions:
Spinocerebellar ataxia, autosomal recessive, with axonal neuropathy 2 (SCAN2). Also called: ATAXIA-OCULOMOTOR APRAXIA 2; Ataxia-ocular apraxia-2; Ataxia with Oculomotor Apraxia; Ataxia with Oculomotor Apraxia Type 2. Identifiers: Orphanet 64753, MedGen C1853761, MONDO:0018996, OMIM 606002.
Amyotrophic lateral sclerosis type 4 (ALS4). Also called: AMYOTROPHIC LATERAL SCLEROSIS 4, JUVENILE; NEURONOPATHY, DISTAL HEREDITARY MOTOR, WITH PYRAMIDAL FEATURES. Identifiers: Orphanet 357043, MedGen C1865409, MONDO:0011223, OMIM 602433.

gnomAD v4.1: 5 of 1,614,046 alleles (0.00031%); highest among the groups gnomAD compares: East Asian, 0.0022%; no homozygotes.

Submission:

Labcorp Genetics (formerly Invitae), Labcorp
Classification: Uncertain significance for Amyotrophic lateral sclerosis type 4; Spinocerebellar ataxia, autosomal recessive, with axonal neuropathy 2. Last evaluated: 2025-08-28. Review status: criteria provided, single submitter. Criteria: Invitae Variant Classification Sherloc (09022015). Collection method: clinical testing. Allele origin: germline.
Comment: This sequence change replaces arginine, which is basic and polar, with leucine, which is neutral and non-polar, at codon 1294 of the SETX protein (p.Arg1294Leu). This variant is not present in population databases (gnomAD no frequency). This variant has not been reported in the literature in individuals affected with SETX-related conditions. Invitae Evidence Modeling of protein sequence and biophysical properties (such as structural, functional, and spatial information, amino acid conservation, physicochemical variation, residue mobility, and thermodynamic stability) has been performed for this missense variant. However, the output from this modeling did not meet the statistical confidence thresholds required to predict the impact of this variant on SETX protein function. In summary, the available evidence is currently insufficient to determine the role of this variant in disease. Therefore, it has been classified as a Variant of Uncertain Significance.